The following is an entry in ClinVar:

ClinVar aggregate classification (germline): Uncertain significance. Review status: criteria provided, multiple submitters, no conflicts (2 of 4 stars). 2 submissions from 2 submitters: Uncertain significance (2). Last evaluated 2024-10-02.

Conditions:
Hereditary cancer-predisposing syndrome. Also called: Hereditary Cancer Syndrome; Hereditary neoplastic syndrome; Neoplastic Syndromes, Hereditary; Tumor predisposition. Identifiers: Orphanet 140162, MedGen C0027672, MeSH D009386, MONDO:0015356.
Oligodontia-cancer predisposition syndrome. Also called: TOOTH AGENESIS-COLORECTAL CANCER SYNDROME. Identifiers: Orphanet 300576, MedGen C1837750, MONDO:0012075, OMIM 608615. Disease mechanism: loss of function.

Submissions (2):

Ambry Genetics
Classification: Uncertain significance for Hereditary cancer-predisposing syndrome. Last evaluated: 2024-10-02. Review status: criteria provided, single submitter. Criteria: Ambry Variant Classification Scheme 2023. Collection method: clinical testing. Allele origin: germline.
Comment: The p.K448E variant (also known as c.1342A>G), located in coding exon 5 of the AXIN2 gene, results from an A to G substitution at nucleotide position 1342. The lysine at codon 448 is replaced by glutamic acid, an amino acid with similar properties. This amino acid position is highly conserved in available vertebrate species. In addition, the in silico prediction for this alteration is inconclusive. Since supporting evidence is limited at this time, the clinical significance of this alteration remains unclear.

Labcorp Genetics (formerly Invitae), Labcorp
Classification: Uncertain significance for Oligodontia-cancer predisposition syndrome. Last evaluated: 2023-10-22. Review status: criteria provided, single submitter. Criteria: Invitae Variant Classification Sherloc (09022015). Collection method: clinical testing. Allele origin: germline.
Comment: This sequence change replaces lysine, which is basic and polar, with glutamic acid, which is acidic and polar, at codon 448 of the AXIN2 protein (p.Lys448Glu). This variant is not present in population databases (gnomAD no frequency). This variant has not been reported in the literature in individuals affected with AXIN2-related conditions. ClinVar contains an entry for this variant (Variation ID: 1770390). Advanced modeling of protein sequence and biophysical properties (such as structural, functional, and spatial information, amino acid conservation, physicochemical variation, residue mobility, and thermodynamic stability) has been performed at Invitae for this missense variant, however the output from this modeling did not meet the statistical confidence thresholds required to predict the impact of this variant on AXIN2 protein function. In summary, the available evidence is currently insufficient to determine the role of this variant in disease. Therefore, it has been classified as a Variant of Uncertain Significance.

NM_004655.4(AXIN2):c.1342A>G (p.Lys448Glu)

Gene: AXIN2 (axin 2; minus strand). Cytogenetic location: 17q24.1.
Variant type: single nucleotide variant.
Coding change: c.1342A>G on transcript NM_004655.4 (MANE Select); coding-DNA position 1342, A replaced by G.
Protein change: p.Lys448Glu; replaces lysine 448 with glutamic acid.
Molecular consequence: missense variant.
Genome position (GRCh38, 1-based): chr17:65,537,694, T>C on the plus strand (A>G on the coding strand, the complement: AXIN2 is on the minus strand). VCF-style: chr17-65537694-T-C. GRCh37 (hg19) VCF-style: chr17-63533812-T-C.
Other names: c.1342A>G, p.Lys448Glu (NM_001363813.1); short protein forms K448E.
Identifiers: ClinVar variation 1770390 (VCV001770390.6), dbSNP rs2043958334, ClinGen allele CA400677691.